The following is an entry in ClinVar:

NM_000051.4(ATM):c.5675-13T>A

Gene: ATM (ATM serine/threonine kinase; plus strand). Cytogenetic location: 11q22.3.
Variant type: single nucleotide variant.
Coding change: c.5675-13T>A on transcript NM_000051.4 (MANE Select); 13 bases into the intron before coding-DNA position 5675, T replaced by A.
Molecular consequence: intron variant.
Genome position (GRCh38, 1-based): chr11:108,307,884, T>A. VCF-style: chr11-108307884-T-A. GRCh37 (hg19) VCF-style: chr11-108178611-T-A.
Other names: c.5675-13T>A (NM_001351834.2).
Identifiers: ClinVar variation 489562 (VCV000489562.24), dbSNP rs373219694, ClinGen allele CA6265754.

ClinVar aggregate classification (germline): Conflicting classifications of pathogenicity. Review status: criteria provided, conflicting classifications (1 of 4 stars). 6 submissions from 6 submitters: Uncertain significance (5); Likely benign (1). Last evaluated 2026-03-02.

Conditions:
Hereditary cancer-predisposing syndrome. Also called: Tumor predisposition; Hereditary neoplastic syndrome; Neoplastic Syndromes, Hereditary; Hereditary Cancer Syndrome. Identifiers: Orphanet 140162, MedGen C0027672, MeSH D009386, MONDO:0015356.
Familial cancer of breast. Also called: BREAST CANCER, FAMILIAL; hereditary breast carcinoma; Hereditary breast cancer. Identifiers: Orphanet 227535, MedGen C0346153, MONDO:0016419, OMIM 114480. Disease mechanism: loss of function.
Ataxia-telangiectasia syndrome (AT). Also called: Ataxia telangiectasia (A-T); Ataxia-telangiectasia; LOUIS-BAR SYNDROME; Ataxia-telangiectasia, complementation group D; AT, COMPLEMENTATION GROUP C; ATAXIA-TELANGIECTASIA, COMPLEMENTATION GROUP A. Identifiers: Orphanet 100, MedGen C0004135, MONDO:0008840, OMIM 208900.
ATM-related cancer predisposition. Also called: ATM-related cancer susceptibility. Identifiers: MedGen CN377759, MONDO:0700270.

Allele frequency attached by ClinVar (database versions not stated): ExAC 0.00001; gnomAD exomes 0.00001; gnomAD 0.00005; TOPMed 0.00003; ESP Exome Variant Server 0.00008.

Submissions (6):

Dasa
Classification: Uncertain significance for ATM-related cancer predisposition. Last evaluated: 2026-03-02. Review status: criteria provided, single submitter. Criteria: DASA Assertion Criteria. Collection method: clinical testing. Allele origin: germline.
Comment: NM_000051.4(ATM):c.5675-13T>A is an intronic variant. This variant is rare in population databases. Computational prediction algorithms are consistent with a deleterious effect. The currently available literature and clinical evidence are not sufficient to establish a definitive association between this variant and the reported condition. Therefore, this variant is classified as a variant of uncertain significance.

Labcorp Genetics (formerly Invitae), Labcorp
Classification: Likely benign for Ataxia-telangiectasia syndrome. Last evaluated: 2026-01-31. Review status: criteria provided, single submitter. Criteria: Invitae Variant Classification Sherloc (09022015). Collection method: clinical testing. Allele origin: germline.

Color Diagnostics, LLC DBA Color Health
Classification: Uncertain significance for Hereditary cancer-predisposing syndrome. Last evaluated: 2024-08-06. Review status: criteria provided, single submitter. Criteria: ACMG Guidelines, 2015. Collection method: clinical testing. Allele origin: germline.
Comment: This variant causes a T to A nucleotide substitution at the -13 position of intron 37/62 of the ATM gene. Computational prediction tool suggests that this variant may have deleterious impact on protein structure and function. To our knowledge, RNA studies have not been reported for this variant. This variant has not been reported in individuals affected with ATM-related disorders in the literature. This variant has been identified in 3/281772 chromosomes in the general population by the Genome Aggregation Database (gnomAD). The available evidence is insufficient to determine the role of this variant in disease conclusively. Therefore, this variant is classified as a Variant of Uncertain Significance.

Department of Pathology and Laboratory Medicine, Sinai Health System
Classification: Uncertain significance for Familial cancer of breast; Ataxia-telangiectasia syndrome. Last evaluated: 2021-11-10. Review status: criteria provided, single submitter. Criteria: ACMG Guidelines, 2015. Collection method: clinical testing. Allele origin: germline. Affected: no.

Sema4
Classification: Uncertain significance for Hereditary cancer-predisposing syndrome. Last evaluated: 2021-06-27. Review status: criteria provided, single submitter. Criteria: Sema4 Curation Guidelines. Collection method: curation. Allele origin: germline.
Comment: The ATM c.5675-13T>A variant has not been reported in the literature to our knowledge. It was observed in 3/24926 chromosomes of the African/African American subpopulation in the large and broad cohorts of the Genome Aggregation Database (PMID: 32461654). The variant has been reported in ClinVar (Variation ID 489562). Splice site prediction tools suggest the variant may weaken the nearby canonical splice acceptor site; however, these predictions have not been confirmed by published transcriptional studies. The evidence is insufficient to meet ACMG/AMP criteria for classifying the variant as benign or pathogenic. Thus, the clinical significance of this variant is currently uncertain.

ARUP Laboratories, Molecular Genetics and Genomics, ARUP Laboratories
Classification: Uncertain significance. Last evaluated: 2020-02-18. Review status: criteria provided, single submitter. Criteria: ARUP Molecular Germline Variant Investigation Process. Collection method: clinical testing. Allele origin: germline.
Comment: The ATM c.5675-13T>A variant (rs373219694), to our knowledge, is not reported in the medical literature but is reported in the ClinVar database (Variation ID: 489562). This variant is only observed on 3 alleles in the Genome Aggregation Database, indicating it is not a common polymorphism. This is an intronic variant in a weakly conserved nucleotide, but computational analyses (Alamut v.2.11) predict that this variant may impact splicing by weakening the nearby canonical acceptor splice site. However, these predictions have yet to be confirmed by functional assays. Due to limited information, the clinical significance of this variant is uncertain at this time.